The following is an entry in ClinVar:

NM_024589.3(ROGDI):c.317A>G (p.Lys106Arg)

Gene: ROGDI (rogdi atypical leucine zipper; minus strand). Cytogenetic location: 16p13.3.
Variant type: single nucleotide variant.
Coding change: c.317A>G on transcript NM_024589.3 (MANE Select); coding-DNA position 317, A replaced by G.
Protein change: p.Lys106Arg; replaces lysine 106 with arginine.
Molecular consequence: missense variant. On other transcripts: non-coding transcript variant (1).
Genome position (GRCh38, 1-based): chr16:4,800,517, T>C on the plus strand (A>G on the coding strand, the complement: ROGDI is on the minus strand). VCF-style: chr16-4800517-T-C. GRCh37 (hg19) VCF-style: chr16-4850518-T-C.
Other names: c.317A>G (NM_024589.1); short protein forms K106R.
Identifiers: ClinVar variation 530793 (VCV000530793.9), dbSNP rs545861164, ClinGen allele CA7882799.
Genomic context (GRCh38, chr16:4,800,517, plus strand): 5'-TGTCCTTGTGGCTGAGCACTAGCCAGGAGGGGCGGGGTCACCTGCTGCAGCTTCCACTGC[T>C]TGTCCTCCCGGAAGGCGAAGTGCAGCAGCTGGTTGTTCCGGGGCATCTTCAGGTTCACAT-3'
Protein context (NP_078865.1, residues 96-116): QLLHFAFRED[Lys106Arg]QWKLQQIQDA

ClinVar aggregate classification (germline): Uncertain significance. Review status: criteria provided, multiple submitters, no conflicts (2 of 4 stars). 3 submissions from 3 submitters: Uncertain significance (3). Last evaluated 2024-10-16.

Conditions:
Inborn genetic diseases. Identifiers: MedGen C0950123, MeSH D030342.
Amelocerebrohypohidrotic syndrome (KTZS). Also called: Kohlschutter's syndrome; EPILEPSY AND YELLOW TEETH; EPILEPSY, DEMENTIA, AND AMELOGENESIS IMPERFECTA; KOHLSCHUTTER SYNDROME. Identifiers: Orphanet 1946, MedGen C0406740, MONDO:0009185, OMIM 226750.

Allele frequency attached by ClinVar (database versions not stated): ExAC below 0.00001; gnomAD 0.00001; gnomAD exomes 0.00001; TOPMed 0.00002; 1000 Genomes Project 0.00020; 1000 Genomes Project 30x 0.00031.

Submissions (3):

Ambry Genetics
Classification: Uncertain significance for Inborn genetic diseases. Last evaluated: 2024-10-16. Review status: criteria provided, single submitter. Criteria: Ambry Variant Classification Scheme 2023. Collection method: clinical testing. Allele origin: germline.

Blueprint Genetics
Classification: Uncertain significance. Last evaluated: 2024-04-22. Review status: criteria provided, single submitter. Criteria: ACMG Guidelines, 2015. Collection method: clinical testing. Allele origin: germline.

Labcorp Genetics (formerly Invitae), Labcorp
Classification: Uncertain significance for Amelocerebrohypohidrotic syndrome. Last evaluated: 2021-10-20. Review status: criteria provided, single submitter. Criteria: Invitae Variant Classification Sherloc (09022015). Collection method: clinical testing. Allele origin: germline.
Comment: This sequence change replaces lysine with arginine at codon 106 of the ROGDI protein (p.Lys106Arg). The lysine residue is highly conserved and there is a small physicochemical difference between lysine and arginine. The frequency data for this variant in the population databases is considered unreliable, as metrics indicate poor data quality at this position in the ExAC database. This variant has not been reported in the literature in individuals affected with ROGDI-related conditions. Algorithms developed to predict the effect of missense changes on protein structure and function are either unavailable or do not agree on the potential impact of this missense change (SIFT: "Tolerated"; PolyPhen-2: "Probably Damaging"; Align-GVGD: "Class C0"). In summary, the available evidence is currently insufficient to determine the role of this variant in disease. Therefore, it has been classified as a Variant of Uncertain Significance.